The following is an entry in ClinVar:

NM_000817.3(GAD1):c.399T>C (p.Asp133=)

Gene: GAD1 (glutamate decarboxylase 1; plus strand). Cytogenetic location: 2q31.1.
Variant type: single nucleotide variant.
Coding change: c.399T>C on transcript NM_000817.3 (MANE Select); coding-DNA position 399, T replaced by C.
Protein change: p.Asp133=; no amino-acid change (aspartic acid 133 retained).
Molecular consequence: synonymous variant.
Genome position (GRCh38, 1-based): chr2:170,831,044, T>C. VCF-style: chr2-170831044-T-C. GRCh37 (hg19) VCF-style: chr2-171687554-T-C.
Other names: c.399T>C, p.Asp133= (NM_013445.4).
Identifiers: ClinVar variation 332230 (VCV000332230.42), dbSNP rs112737041, ClinGen allele CA1962616.

ClinVar aggregate classification (germline): Conflicting classifications of pathogenicity. Review status: criteria provided, conflicting classifications (1 of 4 stars). 4 submissions from 4 submitters: Uncertain significance (1); Likely benign (2). 1 of the submissions does not count toward it. Last evaluated 2025-08-21.

Conditions:
Neurodevelopmental disorder with progressive spasticity and brain white matter abnormalities. Also called: CEREBRAL PALSY, SPASTIC QUADRIPLEGIC, 1. Identifiers: Orphanet 210141, Orphanet 641353, MedGen C5436628, MONDO:0033613, OMIM 619026.
GAD1-related disorder. Also called: GAD1-related condition.

Allele frequency attached by ClinVar (database versions not stated): ESP Exome Variant Server 0.00046; gnomAD 0.00056 and 0.00058; gnomAD exomes 0.00057; TOPMed 0.00061; ExAC 0.00062.
gnomAD v4.1: 1,254 of 1,614,080 alleles (0.078%); highest among the groups gnomAD compares: Non-Finnish European, 0.099%; 1 homozygote.

Submissions (4):

Labcorp Genetics (formerly Invitae), Labcorp
Classification: Likely benign for Neurodevelopmental disorder with progressive spasticity and brain white matter abnormalities. Last evaluated: 2025-08-21. Review status: criteria provided, single submitter. Criteria: Invitae Variant Classification Sherloc (09022015). Collection method: clinical testing. Allele origin: germline.

CeGaT Center for Human Genetics Tuebingen
Classification: Likely benign. Last evaluated: 2024-05-01. Review status: criteria provided, single submitter. Criteria: CeGaT Center For Human Genetics Tuebingen Variant Classification Criteria Version 2. Collection method: clinical testing. Allele origin: germline. Affected: yes. Observed: 2 variant alleles.
Comment: GAD1: BP4, BP7

Illumina Laboratory Services, Illumina
Classification: Uncertain significance. Last evaluated: 2018-01-13. Review status: criteria provided, single submitter. Criteria: ICSL Variant Classification Criteria 13 December 2019. Collection method: clinical testing. Allele origin: germline.

PreventionGenetics, part of Exact Sciences
Classification: Likely benign for GAD1-related condition. Last evaluated: 2024-02-28. Review status: no assertion criteria provided. Collection method: clinical testing. Allele origin: germline. Not counted in ClinVar's aggregate classification.
Comment: This variant is classified as likely benign based on ACMG/AMP sequence variant interpretation guidelines (Richards et al. 2015 PMID: 25741868, with internal and published modifications).